The following is an entry in ClinVar:

ClinVar aggregate classification (germline): Uncertain significance. Review status: criteria provided, multiple submitters, no conflicts (2 of 4 stars). 2 submissions from 2 submitters: Uncertain significance (2). Last evaluated 2023-08-03.

Conditions:
Hereditary cancer-predisposing syndrome. Also called: Tumor predisposition; Hereditary neoplastic syndrome; Neoplastic Syndromes, Hereditary; Hereditary Cancer Syndrome. Identifiers: Orphanet 140162, MedGen C0027672, MeSH D009386, MONDO:0015356.
Familial adenomatous polyposis 1 (FAP1). Also called: FAMILIAL ADENOMATOUS POLYPOSIS 1, ATTENUATED; POLYPOSIS, ADENOMATOUS INTESTINAL. Identifiers: MedGen C2713442, MONDO:0021056, OMIM 175100. Disease mechanism: loss of function.

Allele frequency attached by ClinVar (database versions not stated): gnomAD exomes below 0.00001; TOPMed below 0.00001; gnomAD 0.00001.
gnomAD v4.1: 4 of 1,613,870 alleles (0.00025%); highest among the groups gnomAD compares: Non-Finnish European, 0.00034%; no homozygotes.

Submissions (2):

Ambry Genetics
Classification: Uncertain significance for Hereditary cancer-predisposing syndrome. Last evaluated: 2023-08-03. Review status: criteria provided, single submitter. Criteria: Ambry Variant Classification Scheme 2023. Collection method: clinical testing. Allele origin: germline.
Comment: The p.A379S variant (also known as c.1135G>T), located in coding exon 9 of the APC gene, results from a G to T substitution at nucleotide position 1135. The alanine at codon 379 is replaced by serine, an amino acid with similar properties. This amino acid position is highly conserved in available vertebrate species. In addition, in silico predictors for this gene do not accurately predict pathogenicity. Since supporting evidence is limited at this time, the clinical significance of this alteration remains unclear.

Labcorp Genetics (formerly Invitae), Labcorp
Classification: Uncertain significance for Familial adenomatous polyposis 1. Last evaluated: 2022-05-25. Review status: criteria provided, single submitter. Criteria: Invitae Variant Classification Sherloc (09022015). Collection method: clinical testing. Allele origin: germline.
Comment: This variant is not present in population databases (gnomAD no frequency). In summary, the available evidence is currently insufficient to determine the role of this variant in disease. Therefore, it has been classified as a Variant of Uncertain Significance. Algorithms developed to predict the effect of missense changes on protein structure and function (SIFT, PolyPhen-2, Align-GVGD) all suggest that this variant is likely to be tolerated. This variant has not been reported in the literature in individuals affected with APC-related conditions. This sequence change replaces alanine, which is neutral and non-polar, with serine, which is neutral and polar, at codon 379 of the APC protein (p.Ala379Ser).

NM_000038.6(APC):c.1135G>T (p.Ala379Ser)

Gene: APC (APC regulator of Wnt signaling pathway; plus strand). Cytogenetic location: 5q22.2.
Variant type: single nucleotide variant.
Coding change: c.1135G>T on transcript NM_000038.6 (MANE Select); coding-DNA position 1135, G replaced by T.
Protein change: p.Ala379Ser; replaces alanine 379 with serine.
Molecular consequence: missense variant. On other transcripts: intron variant (4).
Genome position (GRCh38, 1-based): chr5:112,819,167, G>T. VCF-style: chr5-112819167-G-T. GRCh37 (hg19) VCF-style: chr5-112154864-G-T.
Other names: c.1135G>T (NM_000038.5); c.1135G>T, p.Ala379Ser (NM_001127510.3, NM_001354895.2, NM_001354896.2 and 4 more transcripts); c.1081G>T, p.Ala361Ser (NM_001127511.3); c.1165G>T, p.Ala389Ser (NM_001354897.2, NM_001407446.1); c.1060G>T, p.Ala354Ser (NM_001354898.2, NM_001407451.1); c.1051G>T, p.Ala351Ser (NM_001354899.2, NM_001407452.1); c.958G>T, p.Ala320Ser (NM_001354900.2, NM_001354901.2, NM_001407453.1); c.286G>T, p.Ala96Ser (NM_001354906.2, NM_001407470.1); and 4 more; short protein forms A354S, A361S, A389S, A96S, A351S, A320S, A379S.
Identifiers: ClinVar variation 2156053 (VCV002156053.6), dbSNP rs1580529673, ClinGen allele CA16023796.